The following is an entry in ClinVar:

NC_000007.13:g.(?_33644457)_(33644838_?)dup

Gene: BBS9 (Bardet-Biedl syndrome 9; plus strand). Cytogenetic location: 7p14.3.
Variant type: Duplication.
Identifiers: ClinVar variation 1036985 (VCV001036985.1).

ClinVar aggregate classification (germline): Uncertain significance (1 of 4 stars; one submission).

Conditions:
Bardet-Biedl syndrome (BBS). Identifiers: Orphanet 110, MedGen C0752166, MONDO:0015229.

Submission:

Labcorp Genetics (formerly Invitae), Labcorp
Classification: Uncertain significance for Bardet-Biedl syndrome. Last evaluated: 2020-10-09. Review status: criteria provided, single submitter. Criteria: Invitae Variant Classification Sherloc (09022015). Collection method: clinical testing. Allele origin: germline.
Comment: This variant results in a copy number gain of the genomic region encompassing exons 22-23 of the BBS9 gene. The 5' boundary is likely confined to intron 21. The 3' end of this event is unknown as it extends beyond the assayed region for this gene and therefore may encompass additional genes. As the precise location of this event is unknown, it may be in tandem or it may be located elsewhere in the genome. This variant has not been reported in the literature in individuals with BBS9-related conditions. In summary, the available evidence is currently insufficient to determine the role of this variant in disease. Therefore, it has been classified as a Variant of Uncertain Significance.